The following is an entry in ClinVar:

NM_001101362.3(KBTBD13):c.717C>T (p.His239=)

Gene: KBTBD13 (kelch repeat and BTB domain containing 13; plus strand). Cytogenetic location: 15q22.31.
Variant type: single nucleotide variant.
Coding change: c.717C>T on transcript NM_001101362.3 (MANE Select); coding-DNA position 717, C replaced by T.
Protein change: p.His239=; no amino-acid change (histidine 239 retained).
Molecular consequence: synonymous variant.
Genome position (GRCh38, 1-based): chr15:65,077,532, C>T. VCF-style: chr15-65077532-C-T. GRCh37 (hg19) VCF-style: chr15-65369870-C-T.
Identifiers: ClinVar variation 4754997 (VCV004754997.2).

ClinVar aggregate classification (germline): Conflicting classifications of pathogenicity. Review status: criteria provided, conflicting classifications (1 of 4 stars). 2 submissions from 2 submitters: Uncertain significance (1); Likely benign (1). Last evaluated 2025-02-13.

Conditions:
Nemaline myopathy 6 (NEM6). Also called: Nemaline myopathy 6, autosomal dominant. Identifiers: Orphanet 171439, MedGen C1836472, MONDO:0012237, OMIM 609273.

gnomAD v4.1: 9 of 1,529,018 alleles (0.00059%); highest among the groups gnomAD compares: Non-Finnish European, 0.00079%; no homozygotes.

Submissions (2):

Labcorp Genetics (formerly Invitae), Labcorp
Classification: Uncertain significance for Nemaline myopathy 6. Last evaluated: 2025-02-13. Review status: criteria provided, single submitter. Criteria: Invitae Variant Classification Sherloc (09022015). Collection method: clinical testing. Allele origin: germline.
Comment: This sequence change affects codon 239 of the KBTBD13 mRNA. It is a 'silent' change, meaning that it does not change the encoded amino acid sequence of the KBTBD13 protein. The frequency data for this variant in the population databases is considered unreliable, as metrics indicate poor data quality at this position in the gnomAD database. This variant has not been reported in the literature in individuals affected with KBTBD13-related conditions. In summary, the available evidence is currently insufficient to determine the role of this variant in disease. Therefore, it has been classified as a Variant of Uncertain Significance.

Blueprint Genetics
Classification: Likely benign. Last evaluated: 2020-06-11. Review status: criteria provided, single submitter. Criteria: ACMG Guidelines, 2015. Collection method: clinical testing. Allele origin: germline.